The following is an entry in ClinVar:

ClinVar aggregate classification (germline): Uncertain significance. Review status: reviewed by expert panel (3 of 4 stars). 3 submissions from 3 submitters: Uncertain significance (1). 2 of the submissions do not count toward it. Last evaluated 2024-07-17.

Conditions:
Hereditary thrombocytopenia and hematologic cancer predisposition syndrome. Identifiers: Orphanet 71290, MedGen CN281654, MONDO:0011071.
Inborn genetic diseases. Identifiers: MedGen C0950123, MeSH D030342.
Hereditary thrombocytopenia and hematological cancer predisposition syndrome associated with RUNX1. Also called: RUNX1 Familial Platelet Disorder with Associated Myeloid Malignancies; Familial Platelet Disorder with Propensity to Acute Myelogenous Leukemia; Familial thrombocytopenia with propensity to acute myelogenous leukemia; PLATELET DISORDER, ASPIRIN-LIKE. Identifiers: Orphanet 71290, MedGen C1832388, MeSH C563324, MONDO:0100083, OMIM 601399.

Submissions (3):

ClinGen Myeloid Malignancy Variant Curation Expert Panel
Classification: Uncertain significance for Hereditary thrombocytopenia and hematologic cancer predisposition syndrome. Last evaluated: 2024-07-17. Review status: reviewed by expert panel. Criteria: ClinGen MyeloMalig ACMG Specifications v2. Collection method: curation. Allele origin: germline. Inheritance: Autosomal dominant inheritance.
Comment: NM_001754.5(RUNX1):c.356T>C (p.Val119Ala) is a missense variant that affects a residue within the Runt Homology Domain (AA 89-204) (PM1_supporting). This variant is absent from gnomAD v2.1.1 and v3.1.2 (PM2_supporting) and has a REVEL score of 0.979 (PP3). In summary, the clinical significance of this variant is uncertain. ACMG/AMP criteria have been applied, as specified by the Myeloid Malignancy Variant Curation Expert Panel for RUNX1: PM2_supporting, PM1_supporting, PP3.

Ambry Genetics
Classification: Uncertain significance for Inborn genetic diseases. Last evaluated: 2025-04-07. Review status: criteria provided, single submitter. Criteria: Ambry Variant Classification Scheme 2023. Collection method: clinical testing. Allele origin: germline. Not counted in ClinVar's aggregate classification.
Comment: The p.V119A variant (also known as c.356T>C), located in coding exon 4 of the RUNX1 gene, results from a T to C substitution at nucleotide position 356. The valine at codon 119 is replaced by alanine, an amino acid with similar properties. This amino acid position is conserved. In addition, this alteration is predicted to be deleterious by in silico analysis. Based on the available evidence, the clinical significance of this variant remains unclear.

Labcorp Genetics (formerly Invitae), Labcorp
Classification: Uncertain significance for Hereditary thrombocytopenia and hematological cancer predisposition syndrome associated with RUNX1. Last evaluated: 2022-07-31. Review status: criteria provided, single submitter. Criteria: Invitae Variant Classification Sherloc (09022015). Collection method: clinical testing. Allele origin: germline. Not counted in ClinVar's aggregate classification.
Comment: This variant is not present in population databases (gnomAD no frequency). This variant has not been reported in the literature in individuals affected with RUNX1-related conditions. ClinVar contains an entry for this variant (Variation ID: 1514344). Algorithms developed to predict the effect of missense changes on protein structure and function are either unavailable or do not agree on the potential impact of this missense change (SIFT: "Deleterious"; PolyPhen-2: "Probably Damaging"; Align-GVGD: "Class C0"). In summary, the available evidence is currently insufficient to determine the role of this variant in disease. Therefore, it has been classified as a Variant of Uncertain Significance. This sequence change replaces valine, which is neutral and non-polar, with alanine, which is neutral and non-polar, at codon 119 of the RUNX1 protein (p.Val119Ala).

NM_001754.5(RUNX1):c.356T>C (p.Val119Ala)

Genes: RUNX1 (RUNX family transcription factor 1; minus strand), RUNX1-AS1 (RUNX1 antisense RNA 1; plus strand). Cytogenetic location: 21q22.12.
Variant type: single nucleotide variant.
Coding change: c.356T>C on transcript NM_001754.5 (MANE Select); coding-DNA position 356, T replaced by C.
Protein change: p.Val119Ala; replaces valine 119 with alanine.
Molecular consequence: missense variant.
Genome position (GRCh38, 1-based): chr21:34,880,709, A>G on the plus strand (T>C on the coding strand, the complement: RUNX1 is on the minus strand). VCF-style: chr21-34880709-A-G. GRCh37 (hg19) VCF-style: chr21-36253006-A-G.
Other names: NM_001754.5(RUNX1):c.356T>C; p.Val119Ala; c.275T>C, p.Val92Ala (NM_001001890.3, NM_001122607.2); c.356T>C (NM_001754.4); short protein forms V92A, V119A.
Identifiers: ClinVar variation 1514344 (VCV001514344.10), dbSNP rs2146363953, ClinGen allele CA410202782.